The following is an entry in ClinVar:

NM_005050.4(ABCD4):c.442C>T (p.Gln148Ter)

Gene: ABCD4 (ATP binding cassette subfamily D member 4; minus strand). Cytogenetic location: 14q24.3.
Variant type: single nucleotide variant.
Coding change: c.442C>T on transcript NM_005050.4 (MANE Select); coding-DNA position 442, C replaced by T.
Protein change: p.Gln148Ter; replaces glutamine 148 with a stop codon.
Molecular consequence: nonsense. On other transcripts: synonymous variant (3), 5 prime UTR variant (14), non-coding transcript variant (10).
Genome position (GRCh38, 1-based): chr14:74,296,433, G>A on the plus strand (C>T on the coding strand, the complement: ABCD4 is on the minus strand). VCF-style: chr14-74296433-G-A. GRCh37 (hg19) VCF-style: chr14-74763136-G-A.
Other names: c.442C>T, p.Gln148Ter (NM_001353591.2, NM_001353592.2, NM_020325.3); c.181C>T, p.Gln61Ter (NM_001353593.2, NM_001353594.2); c.33C>T, p.Ala11= (NM_001353595.2, NM_001353596.2, NM_001353597.2); c.-36C>T (NM_001353598.2, NM_001353599.2, NM_001353600.2 and 2 more transcripts); c.-248C>T (NM_001353602.2, NM_001353608.2); c.-253C>T (NM_001353603.2, NM_001353604.2, NM_001353605.2 and 4 more transcripts); short protein forms Q148*, Q61*.
Identifiers: ClinVar variation 3721580 (VCV003721580.2).

ClinVar aggregate classification (germline): Pathogenic (1 of 4 stars; one submission).

Conditions:
Methylmalonic acidemia with homocystinuria, type cblJ (MAHCJ). Also called: METHYLMALONIC ACIDURIA AND HOMOCYSTINURIA, cblJ TYPE. Identifiers: Orphanet 369955, MedGen C3553915, MONDO:0013925, OMIM 614857.

gnomAD v4.1: 1 of 1,614,112 alleles (0.000062%); highest among the groups gnomAD compares: Non-Finnish European, 0.000085%; no homozygotes.

Submission:

Labcorp Genetics (formerly Invitae), Labcorp
Classification: Pathogenic for Methylmalonic acidemia with homocystinuria, type cblJ. Last evaluated: 2025-01-23. Review status: criteria provided, single submitter. Criteria: Invitae Variant Classification Sherloc (09022015). Collection method: clinical testing. Allele origin: germline.
Comment: This sequence change creates a premature translational stop signal (p.Gln148*) in the ABCD4 gene. It is expected to result in an absent or disrupted protein product. Loss-of-function variants in ABCD4 are known to be pathogenic (PMID: 22922874). This variant is present in population databases (no rsID available, gnomAD 0.0009%). This variant has not been reported in the literature in individuals affected with ABCD4-related conditions. For these reasons, this variant has been classified as Pathogenic.

Literature cited by the submitters: PubMed 22922874.